The following is an entry in ClinVar:

ClinVar aggregate classification (germline): Uncertain significance (1 of 4 stars; one submission).

Submission:

GeneDx
Classification: Uncertain significance. Last evaluated: 2024-07-24. Review status: criteria provided, single submitter. Criteria: GeneDx Variant Classification Process June 2021. Collection method: clinical testing. Allele origin: germline. Affected: yes.
Comment: Not observed at significant frequency in large population cohorts (gnomAD); In silico analysis indicates that this missense variant does not alter protein structure/function; Has not been previously published as pathogenic or benign to our knowledge

NM_006015.6(ARID1A):c.551T>G (p.Leu184Arg)

Gene: ARID1A (AT-rich interaction domain 1A; plus strand). Cytogenetic location: 1p36.11.
Variant type: single nucleotide variant.
Coding change: c.551T>G on transcript NM_006015.6 (MANE Select); coding-DNA position 551, T replaced by G.
Protein change: p.Leu184Arg; replaces leucine 184 with arginine.
Molecular consequence: missense variant.
Genome position (GRCh38, 1-based): chr1:26,696,954, T>G. VCF-style: chr1-26696954-T-G. GRCh37 (hg19) VCF-style: chr1-27023445-T-G.
Other names: c.551T>G, p.Leu184Arg (NM_139135.4); short protein forms L184R.
Identifiers: ClinVar variation 3600696 (VCV003600696.1).